The following is an entry in ClinVar:

NR_033294.2(SNORD118):n.37C>G

Genes: TMEM107 (transmembrane protein 107; minus strand), SNORD118 (small nucleolar RNA, C/D box 118; minus strand). Cytogenetic location: 17p13.1.
Variant type: single nucleotide variant.
Molecular consequence: non-coding transcript variant (on NR_033294.2). On other transcripts: 3 prime UTR variant (5).
Genome position: GRCh38 VCF-style: chr17-8173552-G-C. GRCh37 (hg19) VCF-style: chr17-8076870-G-C.
Other names: c.*651C>G (NM_001351278.2, NM_001351279.2, NM_001351280.2 and 2 more transcripts).
Identifiers: ClinVar variation 1483920 (VCV001483920.29), dbSNP rs78363053, ClinGen allele CA8370766.

ClinVar aggregate classification (germline): Conflicting classifications of pathogenicity. Review status: criteria provided, conflicting classifications (1 of 4 stars). 3 submissions from 3 submitters: Uncertain significance (2); Likely benign (1). Last evaluated 2025-10-01.

Allele frequency attached by ClinVar (database versions not stated): 1000 Genomes Project 30x 0.00047.
gnomAD v4.1: 333 of 765,200 alleles (0.044%); highest among the groups gnomAD compares: South Asian, 0.059%; 1 homozygote.

Submissions (3):

CeGaT Center for Human Genetics Tuebingen
Classification: Likely benign. Last evaluated: 2025-10-01. Review status: criteria provided, single submitter. Criteria: CeGaT Center For Human Genetics Tuebingen Variant Classification Criteria Version 2. Collection method: clinical testing. Allele origin: germline. Affected: yes. Observed: 4 variant alleles.
Comment: SNORD118: BS1

Blueprint Genetics
Classification: Uncertain significance. Last evaluated: 2024-11-13. Review status: criteria provided, single submitter. Criteria: ACMG Guidelines, 2015. Collection method: clinical testing. Allele origin: germline.

Labcorp Genetics (formerly Invitae), Labcorp
Classification: Uncertain significance. Last evaluated: 2024-11-04. Review status: criteria provided, single submitter. Criteria: Invitae Variant Classification Sherloc (09022015). Collection method: clinical testing. Allele origin: germline.
Comment: This variant occurs in the SNORD118 gene, which encodes an RNA molecule that does not result in a protein product. This variant is present in population databases (rs78363053, gnomAD 0.05%), including at least one homozygous and/or hemizygous individual. This variant has not been reported in the literature in individuals affected with SNORD118-related conditions. ClinVar contains an entry for this variant (Variation ID: 1483920). Experimental studies and prediction algorithms are not available or were not evaluated, and the functional significance of this variant is currently unknown. In summary, the available evidence is currently insufficient to determine the role of this variant in disease. Therefore, it has been classified as a Variant of Uncertain Significance.